The following is an entry in ClinVar:

ClinVar aggregate classification (germline): Conflicting classifications of pathogenicity. Review status: criteria provided, conflicting classifications (1 of 4 stars). 2 submissions from 2 submitters: Pathogenic (1); Uncertain significance (1). Last evaluated 2025-09-02.

Conditions:
Neurodevelopmental disorder with or without anomalies of the brain, eye, or heart (NEDBEH). Identifiers: Orphanet 494344, MedGen C5567477, MONDO:0014857, OMIM 616975.

gnomAD v4.1: 1 of 1,613,614 alleles (0.000062%); highest among the groups gnomAD compares: Non-Finnish European, 0.000085%; no homozygotes.

Submissions (2):

Dasa
Classification: Uncertain significance for neurodevelopmental disorder with or without anomalies of the brain, eye, or heart. Last evaluated: 2025-09-02. Review status: criteria provided, single submitter. Criteria: DASA Assertion Criteria. Collection method: clinical testing. Allele origin: germline.
Comment: NM_001042681.2(RERE):c.1740G>A (p.Ser580=) is a synonymous variant predicted not to alter the encoded amino acid sequence. This variant is rare in population databases. Computational prediction algorithms are consistent with a deleterious effect. The currently available literature and clinical evidence are not sufficient to establish a definitive association between this variant and the reported condition. Therefore, this variant is classified as a variant of uncertain significance.

Daryl Scott Lab, Baylor College of Medicine
Classification: Pathogenic for Neurodevelopmental disorder with or without anomalies of the brain, eye, or heart. Last evaluated: 2025-08-05. Review status: criteria provided, single submitter. Criteria: ACMG Guidelines, 2015. Collection method: clinical testing. Allele origin: maternal. Affected: yes. Observed: 3 heterozygotes.
Comment: PS3, PS4, PM2, PP1

NM_001042681.2(RERE):c.1740G>A (p.Ser580=)

Gene: RERE (arginine-glutamic acid dipeptide repeats; minus strand). Cytogenetic location: 1p36.23.
Variant type: single nucleotide variant.
Coding change: c.1740G>A on transcript NM_001042681.2 (MANE Select); coding-DNA position 1740, G replaced by A.
Protein change: p.Ser580=; no amino-acid change (serine 580 retained).
Molecular consequence: synonymous variant.
Genome position (GRCh38, 1-based): chr1:8,364,056, C>T on the plus strand (G>A on the coding strand, the complement: RERE is on the minus strand). VCF-style: chr1-8364056-C-T. GRCh37 (hg19) VCF-style: chr1-8424116-C-T.
Other names: c.78G>A, p.Ser26= (NM_001042682.2); c.1740G>A, p.Ser580= (NM_012102.4).
Identifiers: ClinVar variation 4075323 (VCV004075323.3).